The following is an entry in ClinVar:

ClinVar aggregate classification (germline): Uncertain significance (1 of 4 stars; one submission).

gnomAD v4.1: 3 of 1,613,788 alleles (0.00019%); highest among the groups gnomAD compares: Admixed American, 0.0033%; no homozygotes.

Submission:

Dasa
Classification: Uncertain significance. Last evaluated: 2025-10-15. Review status: criteria provided, single submitter. Criteria: DASA Assertion Criteria. Collection method: clinical testing. Allele origin: germline.
Comment: NM_181552.4(CUX1):c.1124A>G (p.Gln375Arg) is a missense variant that results in the substitution of glutamine with arginine. This variant is rare in population databases. Computational prediction algorithms are consistent with a deleterious effect. The currently available literature and clinical evidence are not sufficient to establish a definitive association between this variant and the reported condition. Therefore, this variant is classified as a variant of uncertain significance.

NM_181552.4(CUX1):c.1124A>G (p.Gln375Arg)

Gene: CUX1 (cut like homeobox 1; plus strand). Cytogenetic location: 7q22.1.
Variant type: single nucleotide variant.
Coding change: c.1124A>G on transcript NM_181552.4 (MANE Select); coding-DNA position 1124, A replaced by G.
Protein change: p.Gln375Arg; replaces glutamine 375 with arginine.
Molecular consequence: missense variant.
Genome position (GRCh38, 1-based): chr7:102,193,889, A>G. VCF-style: chr7-102193889-A-G. GRCh37 (hg19) VCF-style: chr7-101837169-A-G.
Other names: c.1157A>G, p.Gln386Arg (NM_001202543.2, NM_001913.5); c.1109A>G, p.Gln370Arg (NM_001202544.3); c.1019A>G, p.Gln340Arg (NM_001202545.3); c.1040A>G, p.Gln347Arg (NM_001202546.3); c.1151A>G, p.Gln384Arg (NM_181500.4); short protein forms Q340R, Q347R, Q370R, Q375R, Q384R, Q386R.
Identifiers: ClinVar variation 4885041 (VCV004885041.2).